The following is an entry in ClinVar:

ClinVar aggregate classification (germline): Uncertain significance. Review status: criteria provided, multiple submitters, no conflicts (2 of 4 stars). 2 submissions from 2 submitters: Uncertain significance (2). Last evaluated 2025-02-03.

Conditions:
Inborn genetic diseases. Identifiers: MedGen C0950123, MeSH D030342.
Congenital myasthenic syndrome 4A. Also called: Myasthenic syndrome, congenital, 4a, slow-channel; CONGENITAL MYASTHENIC SYNDROME TYPE Ia1; MYASTHENIC SYNDROME, CONGENITAL, 4A, SLOW-CHANNEL, AUTOSOMAL RECESSIVE. Identifiers: Orphanet 590, MedGen C4225413, MONDO:0011600, OMIM 605809.

Allele frequency attached by ClinVar (database versions not stated): TOPMed 0.00003; gnomAD exomes below 0.00001.

Submissions (2):

Labcorp Genetics (formerly Invitae), Labcorp
Classification: Uncertain significance for Congenital myasthenic syndrome 4A. Last evaluated: 2025-02-03. Review status: criteria provided, single submitter. Criteria: Invitae Variant Classification Sherloc (09022015). Collection method: clinical testing. Allele origin: germline.
Comment: This sequence change replaces leucine, which is neutral and non-polar, with phenylalanine, which is neutral and non-polar, at codon 379 of the CHRNE protein (p.Leu379Phe). The frequency data for this variant in the population databases is considered unreliable, as metrics indicate poor data quality at this position in the gnomAD database. This variant has not been reported in the literature in individuals affected with CHRNE-related conditions. ClinVar contains an entry for this variant (Variation ID: 2740870). Invitae Evidence Modeling of protein sequence and biophysical properties (such as structural, functional, and spatial information, amino acid conservation, physicochemical variation, residue mobility, and thermodynamic stability) indicates that this missense variant is not expected to disrupt CHRNE protein function with a negative predictive value of 95%. In summary, the available evidence is currently insufficient to determine the role of this variant in disease. Therefore, it has been classified as a Variant of Uncertain Significance.

Ambry Genetics
Classification: Uncertain significance for Inborn genetic diseases. Last evaluated: 2024-06-04. Review status: criteria provided, single submitter. Criteria: Ambry Variant Classification Scheme 2023. Collection method: clinical testing. Allele origin: germline.

NM_000080.4(CHRNE):c.1135C>T (p.Leu379Phe)

Genes: CHRNE (cholinergic receptor nicotinic epsilon subunit; minus strand), LOC130060040 (ATAC-STARR-seq lymphoblastoid silent region 8049; plus strand). Cytogenetic location: 17p13.2.
Variant type: single nucleotide variant.
Coding change: c.1135C>T on transcript NM_000080.4 (MANE Select); coding-DNA position 1135, C replaced by T.
Protein change: p.Leu379Phe; replaces leucine 379 with phenylalanine.
Molecular consequence: missense variant.
Genome position (GRCh38, 1-based): chr17:4,899,282, G>A on the plus strand (C>T on the coding strand, the complement: CHRNE is on the minus strand). VCF-style: chr17-4899282-G-A. GRCh37 (hg19) VCF-style: chr17-4802577-G-A.
Other names: c.1135C>T (NM_000080.3); short protein forms L379F.
Identifiers: ClinVar variation 2740870 (VCV002740870.4), dbSNP rs1297785771, ClinGen allele CA397300456.